The following is an entry in ClinVar:

ClinVar aggregate classification (germline): Uncertain significance (1 of 4 stars; one submission).

Submission:

Labcorp Genetics (formerly Invitae), Labcorp
Classification: Uncertain significance. Last evaluated: 2025-10-26. Review status: criteria provided, single submitter. Criteria: Invitae Variant Classification Sherloc (09022015). Collection method: clinical testing. Allele origin: germline.
Comment: This sequence change falls in intron 13 of the EPB41 gene. It does not directly change the encoded amino acid sequence of the EPB41 protein. This variant is not present in population databases (gnomAD no frequency). This variant has not been reported in the literature in individuals affected with EPB41-related conditions. Algorithms developed to predict the effect of sequence changes on RNA splicing suggest that this variant may disrupt the consensus splice site. In summary, the available evidence is currently insufficient to determine the role of this variant in disease. Therefore, it has been classified as a Variant of Uncertain Significance.

NM_001376013.1(EPB41):c.1945-19C>A

Gene: EPB41 (erythrocyte membrane protein band 4.1; plus strand). Cytogenetic location: 1p35.3.
Variant type: single nucleotide variant.
Coding change: c.1945-19C>A on transcript NM_001376013.1 (MANE Select); 19 bases into the intron before coding-DNA position 1945, C replaced by A.
Molecular consequence: intron variant.
Genome position (GRCh38, 1-based): chr1:29,060,403, C>A. VCF-style: chr1-29060403-C-A. GRCh37 (hg19) VCF-style: chr1-29386915-C-A.
Other names: c.1276-19C>A (NM_203342.3); c.1945-19C>A (NM_001166005.2, NM_001376017.1, NM_001376016.1 and 1 more transcripts); c.1741-4579C>A (NM_203343.3); c.1219-19C>A (NM_004437.4); c.1318-19C>A (NM_001376022.1, NM_001376024.1, NM_001376023.1 and 1 more transcripts); c.1219-4579C>A (NM_001166007.2, NM_001376027.1); c.1272+1758C>A (NM_001376026.1); c.1216-4579C>A (NM_001376028.1); and 4 more.
Identifiers: ClinVar variation 4729958 (VCV004729958.1).
Genomic context (GRCh38, chr1:29,060,403, plus strand): 5'-CCAATTTTCAGTTTTTTCCCGCAAGAACAACATTTTAATTTTTTATGCTTTTCTGTTTTC[C>A]CCCCTTTCATTTTCACAGAAAAAGAGAGAAAGACTAGATGGTGAAAACATTTATATCAGA-3'